The following is an entry in ClinVar:

NM_021008.4(DEAF1):c.1018C>A (p.Gln340Lys)

Gene: DEAF1 (DEAF1 transcription factor; minus strand). Cytogenetic location: 11p15.5.
Variant type: single nucleotide variant.
Coding change: c.1018C>A on transcript NM_021008.4 (MANE Select); coding-DNA position 1018, C replaced by A.
Protein change: p.Gln340Lys; replaces glutamine 340 with lysine.
Molecular consequence: missense variant.
Genome position (GRCh38, 1-based): chr11:679,796, G>T on the plus strand (C>A on the coding strand, the complement: DEAF1 is on the minus strand). VCF-style: chr11-679796-G-T. GRCh37 (hg19) VCF-style: chr11-679796-G-T.
Other names: c.751C>A, p.Gln251Lys (NM_001293634.2); c.292C>A, p.Gln98Lys (NM_001367390.1); short protein forms Q251K, Q340K, Q98K.
Identifiers: ClinVar variation 2418292 (VCV002418292.6), dbSNP rs1371526011, ClinGen allele CA378926591.

ClinVar aggregate classification (germline): Uncertain significance (1 of 4 stars; one submission).

gnomAD v4.1: 4 of 1,613,804 alleles (0.00025%); highest among the groups gnomAD compares: Non-Finnish European, 0.00034%; no homozygotes.

Submission:

Labcorp Genetics (formerly Invitae), Labcorp
Classification: Uncertain significance. Last evaluated: 2022-02-25. Review status: criteria provided, single submitter. Criteria: Invitae Variant Classification Sherloc (09022015). Collection method: clinical testing. Allele origin: germline.
Comment: In summary, the available evidence is currently insufficient to determine the role of this variant in disease. Therefore, it has been classified as a Variant of Uncertain Significance. Advanced modeling of protein sequence and biophysical properties (such as structural, functional, and spatial information, amino acid conservation, physicochemical variation, residue mobility, and thermodynamic stability) performed at Invitae indicates that this missense variant is expected to disrupt DEAF1 protein function. This variant has not been reported in the literature in individuals affected with DEAF1-related conditions. This variant is not present in population databases (gnomAD no frequency). This sequence change replaces glutamine, which is neutral and polar, with lysine, which is basic and polar, at codon 340 of the DEAF1 protein (p.Gln340Lys).